The following is an entry in ClinVar:

ClinVar aggregate classification (germline): Uncertain significance. Review status: criteria provided, multiple submitters, no conflicts (2 of 4 stars). 2 submissions from 2 submitters: Uncertain significance (2). Last evaluated 2023-09-22.

Conditions:
Autoinflammatory syndrome. Identifiers: Orphanet 93665, MedGen C3890737, MONDO:0019751.
Mevalonic aciduria (MEVA). Identifiers: Orphanet 29, MedGen C1959626, MONDO:0012481, OMIM 610377.
Hyperimmunoglobulin D with periodic fever (HIDS). Also called: HYPERIMMUNOGLOBULINEMIA D AND PERIODIC FEVER SYNDROME; Hyperimmunoglobulinemia D; Hyperimmunoglobulinemia D with periodic fever. Identifiers: Orphanet 343, MedGen C0398691, MONDO:0009849, OMIM 260920.
Porokeratosis 3, disseminated superficial actinic type (POROK3). Also called: POROKERATOSIS, DISSEMINATED SUPERFICIAL ACTINIC, 1; POROKERATOSIS 3, MULTIPLE TYPES; POROKERATOSIS 3, MIBELLI TYPE. Identifiers: MedGen C1867981, MONDO:0008293, OMIM 175900.

Allele frequency attached by ClinVar (database versions not stated): gnomAD exomes below 0.00001 and 0.00001; gnomAD 0.00001.
gnomAD v4.1: 12 of 1,614,064 alleles (0.00074%); highest among the groups gnomAD compares: Non-Finnish European, 0.00085%; no homozygotes.

Submissions (2):

Labcorp Genetics (formerly Invitae), Labcorp
Classification: Uncertain significance for Mevalonic aciduria; Hyperimmunoglobulin D with periodic fever; Porokeratosis 3, disseminated superficial actinic type. Last evaluated: 2023-09-22. Review status: criteria provided, single submitter. Criteria: Invitae Variant Classification Sherloc (09022015). Collection method: clinical testing. Allele origin: germline.
Comment: In summary, the available evidence is currently insufficient to determine the role of this variant in disease. Therefore, it has been classified as a Variant of Uncertain Significance. Advanced modeling of protein sequence and biophysical properties (such as structural, functional, and spatial information, amino acid conservation, physicochemical variation, residue mobility, and thermodynamic stability) performed at Invitae indicates that this missense variant is not expected to disrupt MVK protein function. ClinVar contains an entry for this variant (Variation ID: 1694349). This missense change has been observed in individual(s) with hyper IgD syndrome and/or recurrent fever (PMID: 21630610, 32199921). In at least one individual the data is consistent with being in trans (on the opposite chromosome) from a pathogenic variant. This variant is present in population databases (no rsID available, gnomAD 0.002%). This sequence change replaces arginine, which is basic and polar, with tryptophan, which is neutral and slightly polar, at codon 40 of the MVK protein (p.Arg40Trp).

Genome Diagnostics Laboratory, The Hospital for Sick Children
Classification: Uncertain significance for Autoinflammatory syndrome. Last evaluated: 2016-12-12. Review status: criteria provided, single submitter. Criteria: ACMG Guidelines, 2015. Collection method: clinical testing. Allele origin: germline. Affected: yes.

Literature cited by the submitters: PubMed 21630610 (cited by Labcorp Genetics (formerly Invitae), Labcorp); PubMed 32199921 (cited by Labcorp Genetics (formerly Invitae), Labcorp).

NM_000431.4(MVK):c.118C>T (p.Arg40Trp)

Gene: MVK (mevalonate kinase; plus strand). Cytogenetic location: 12q24.11.
Variant type: single nucleotide variant.
Coding change: c.118C>T on transcript NM_000431.4 (MANE Select); coding-DNA position 118, C replaced by T.
Protein change: p.Arg40Trp; replaces arginine 40 with tryptophan.
Molecular consequence: missense variant.
Genome position (GRCh38, 1-based): chr12:109,576,037, C>T. VCF-style: chr12-109576037-C-T. GRCh37 (hg19) VCF-style: chr12-110013842-C-T.
Other names: c.118C>T, p.Arg40Trp (NM_001114185.3, NM_001301182.2); short protein forms R40W.
Identifiers: ClinVar variation 1694349 (VCV001694349.6), dbSNP rs1055952433, ClinGen allele CA243452382.